The following is an entry in ClinVar:

ClinVar aggregate classification (germline): Uncertain significance (1 of 4 stars; one submission).

Conditions:
Cystic fibrosis (CF). Also called: MUCOVISCIDOSIS. Identifiers: Orphanet 586, MedGen C0010674, MONDO:0009061, OMIM 219700. Disease mechanism: loss of function.

Submission:

Ambry Genetics
Classification: Uncertain significance for Cystic fibrosis. Last evaluated: 2017-01-31. Review status: criteria provided, single submitter. Criteria: Ambry Variant Classification Scheme 2023. Collection method: clinical testing. Allele origin: germline.
Comment: The c.-198G>T alteration is located in the 5' untranslated region (5'UTR) of the CFTR gene. This alteration consists of a G to T substitution nucleotides upstream from the first translated codon. Based on insufficient or conflicting evidence, the clinical significance of this alteration remains unclear.

NM_000492.3(CFTR):c.-198G>T

Genes: CFTR (CF transmembrane conductance regulator; plus strand), LOC111674463 (CFTR promoter region; plus strand). Cytogenetic location: 7q31.2.
Variant type: single nucleotide variant.
Coding change: c.-198G>T on transcript NM_000492.3; 198 bases upstream of the start codon, G replaced by T.
Genome position (GRCh38, 1-based): chr7:117,479,897, G>T. VCF-style: chr7-117479897-G-T. GRCh37 (hg19) VCF-style: chr7-117119951-G-T.
Identifiers: ClinVar variation 3076095 (VCV003076095.1), dbSNP rs984964140, ClinGen allele CA2684616908.
Genomic context (GRCh38, chr7:117,479,897, plus strand): 5'-GTGGAGAAAGCCGCTAGAGCAAATTTGGGGCCGGACCAGGCAGCACTCGGCTTTTAACCT[G>T]GGCAGTGAAGGCGGGGGAAAGAGCAAAAGGAAGGGGTGGTGTGCGGAGTAGGGGTGGGTG-3'